The following is an entry in ClinVar:

ClinVar aggregate classification (germline): Uncertain significance (1 of 4 stars; one submission).

Conditions:
Usher syndrome type 3B. Also called: USHER SYNDROME, TYPE IIIB. Identifiers: MedGen C3281066, MONDO:0013788, OMIM 614504.

Submission:

Labcorp Genetics (formerly Invitae), Labcorp
Classification: Uncertain significance for Usher syndrome type 3B. Last evaluated: 2023-10-04. Review status: criteria provided, single submitter. Criteria: Invitae Variant Classification Sherloc (09022015). Collection method: clinical testing. Allele origin: germline.
Comment: This sequence change replaces asparagine, which is neutral and polar, with threonine, which is neutral and polar, at codon 251 of the HARS protein (p.Asn251Thr). This variant is not present in population databases (gnomAD no frequency). This variant has not been reported in the literature in individuals affected with HARS-related conditions. ClinVar contains an entry for this variant (Variation ID: 1034806). Advanced modeling of protein sequence and biophysical properties (such as structural, functional, and spatial information, amino acid conservation, physicochemical variation, residue mobility, and thermodynamic stability) performed at Invitae indicates that this missense variant is not expected to disrupt HARS protein function. In summary, the available evidence is currently insufficient to determine the role of this variant in disease. Therefore, it has been classified as a Variant of Uncertain Significance.

NM_002109.6(HARS1):c.752A>C (p.Asn251Thr)

Gene: HARS1 (histidyl-tRNA synthetase 1; minus strand). Cytogenetic location: 5q31.3.
Variant type: single nucleotide variant.
Coding change: c.752A>C on transcript NM_002109.6 (MANE Select); coding-DNA position 752, A replaced by C.
Protein change: p.Asn251Thr; replaces asparagine 251 with threonine.
Molecular consequence: missense variant.
Genome position (GRCh38, 1-based): chr5:140,677,398, T>G on the plus strand (A>C on the coding strand, the complement: HARS1 is on the minus strand). VCF-style: chr5-140677398-T-G. GRCh37 (hg19) VCF-style: chr5-140056983-T-G.
Other names: c.632A>C, p.Asn211Thr (NM_001258040.3); c.692A>C, p.Asn231Thr (NM_001258041.3); c.572A>C, p.Asn191Thr (NM_001258042.3); c.530A>C, p.Asn177Thr (NM_001289092.2); c.410A>C, p.Asn137Thr (NM_001289093.2); c.665A>C, p.Asn222Thr (NM_001289094.2); short protein forms N137T, N211T, N231T, N177T, N191T, N251T, N222T.
Identifiers: ClinVar variation 1034806 (VCV001034806.8), dbSNP rs748594458, ClinGen allele CA361254111.